The following is an entry in ClinVar:

NM_001365951.3(KIF1B):c.4525C>A (p.Arg1509Ser)

Gene: KIF1B (kinesin family member 1B; plus strand). Cytogenetic location: 1p36.22.
Variant type: single nucleotide variant.
Coding change: c.4525C>A on transcript NM_001365951.3 (MANE Select); coding-DNA position 4525, C replaced by A.
Protein change: p.Arg1509Ser; replaces arginine 1509 with serine.
Molecular consequence: missense variant.
Genome position (GRCh38, 1-based): chr1:10,365,421, C>A. VCF-style: chr1-10365421-C-A. GRCh37 (hg19) VCF-style: chr1-10425479-C-A.
Other names: c.4525C>A, p.Arg1509Ser (NM_001365952.1); c.4387C>A, p.Arg1463Ser (NM_015074.3); short protein forms R1463S, R1509S.
Identifiers: ClinVar variation 3864021 (VCV003864021.1).
Genomic context (GRCh38, chr1:10,365,421, plus strand): 5'-TCTTAACGAGCTTTGTGTTTGCTATAGCAGTAGTATTGATCTTCTCAGGTGGAAAAAACC[C>A]GCCACTTTTTGCTGCTGCGTGAGAGACTTGGTGACAGCATCCCCAAATCCCTGAGCGACT-3'
Protein context (NP_001352880.1, residues 1499-1519): LELLHEVEKT[Arg1509Ser]HFLLLRERLG

ClinVar aggregate classification (germline): Uncertain significance (1 of 4 stars; one submission).

Submission:

Ambry Genetics
Classification: Uncertain significance. Last evaluated: 2025-01-17. Review status: criteria provided, single submitter. Criteria: Ambry Variant Classification Scheme 2023. Collection method: clinical testing. Allele origin: germline.
Comment: The p.R1463S variant (also known as c.4387C>A), located in coding exon 40 of the KIF1B gene, results from a C to A substitution at nucleotide position 4387. The arginine at codon 1463 is replaced by serine, an amino acid with dissimilar properties. This amino acid position is conserved. In addition, this alteration is predicted to be deleterious by in silico analysis. Based on the available evidence, the clinical significance of this variant remains unclear.